The following is an entry in ClinVar:

ClinVar aggregate classification (germline): Uncertain significance (1 of 4 stars; one submission).

Submission:

Women's Health and Genetics/Laboratory Corporation of America, LabCorp
Classification: Uncertain significance. Last evaluated: 2026-04-14. Review status: criteria provided, single submitter. Criteria: LabCorp Variant Classification Summary - May 2015. Collection method: clinical testing. Allele origin: germline.
Comment: Variant summary: ALPK3 c.1824_1826delGAA (p.Lys608del) results in an in-frame deletion that is predicted to remove one amino acid from the encoded protein. The variant allele was found at a frequency of 4e-06 in 251412 control chromosomes. The available data on variant occurrences in the general population are insufficient to allow any conclusion about variant significance. To our knowledge, no occurrence of c.1824_1826delGAA in individuals affected with ALPK3-related conditions and no experimental evidence demonstrating its impact on protein function have been reported. No submitters have cited clinical-significance assessments for this variant to ClinVar. Based on the evidence outlined above, the variant was classified as uncertain significance.

NM_020778.5(ALPK3):c.1821GAA[1] (p.Lys608del)

Gene: ALPK3 (alpha kinase 3; plus strand). Cytogenetic location: 15q25.3.
Variant type: Microsatellite.
Coding change: c.1821GAA[1] on transcript NM_020778.5 (MANE Select); one copy of the 3-base unit GAA starting at c.1821; the reference has two copies in a row; one copy, 3 bases deleted.
Protein change: p.Lys608del; deletes lysine 608.
Genome position (GRCh38, 1-based): chr15:84,856,562-84,856,564, GAA deleted; deleting any 3 consecutive bases within chr15:84,856,557-84,856,564 gives the same sequence; the position shown is the placement nearest the transcript's 3' end. VCF-style (leftmost placement, unchanged base first): chr15-84856556-CAAG-C. GRCh37 (hg19) VCF-style: chr15-85399787-CAAG-C.
Other names: c.1824_1826delGAA (NM_020778.5); short protein forms K608del.
Identifiers: ClinVar variation 4848598 (VCV004848598.1).